The following is an entry in ClinVar:

NM_000350.3(ABCA4):c.2819C>G (p.Pro940Arg)

Gene: ABCA4 (ATP binding cassette subfamily A member 4; minus strand). Cytogenetic location: 1p22.1.
Variant type: single nucleotide variant.
Coding change: c.2819C>G on transcript NM_000350.3 (MANE Select); coding-DNA position 2819, C replaced by G.
Protein change: p.Pro940Arg; replaces proline 940 with arginine.
Molecular consequence: missense variant.
Genome position (GRCh38, 1-based): chr1:94,047,018, G>C on the plus strand (C>G on the coding strand, the complement: ABCA4 is on the minus strand). VCF-style: chr1-94047018-G-C. GRCh37 (hg19) VCF-style: chr1-94512574-G-C.
Other names: c.2597C>G, p.Pro866Arg (NM_001425324.1); short protein forms P940R, P866R.
Identifiers: ClinVar variation 286835 (VCV000286835.23), dbSNP rs144995371, ClinGen allele CA958146.

ClinVar aggregate classification (germline): Uncertain significance. Review status: criteria provided, multiple submitters, no conflicts (2 of 4 stars). 9 submissions from 9 submitters: Uncertain significance (7). 2 of the submissions do not count toward it. Last evaluated 2025-10-06.

Conditions:
Cone-rod dystrophy 3 (CORD3). Identifiers: Orphanet 1872, MedGen C1858806, MONDO:0011395, OMIM 604116.
Retinal dystrophy. Also called: Inherited retinal dystrophy. Identifiers: Orphanet 71862, MedGen C0854723, MeSH D058499, MONDO:0019118, HP:0000556.
Severe early-childhood-onset retinal dystrophy (STGD1). Also called: Stargardt macular dystrophy; Juvenile onset macular degeneration; Stargardt disease 1; MACULAR DYSTROPHY WITH FLECKS, TYPE 1; STGD. Identifiers: Orphanet 364055, Orphanet 827, MedGen C1855465, MeSH D000080362, MONDO:0009549, OMIM 248200.
Retinitis pigmentosa 19 (RP19). Also called: ABCA4-Related Retinitis Pigmentosa. Identifiers: Orphanet 791, MedGen C1866422, MONDO:0011137, OMIM 601718.
Age related macular degeneration 2. Also called: MACULOPATHY, AGE-RELATED; MACULAR DEGENERATION, SENILE; MACULOPATHY, AGE-RELATED, 2. Identifiers: MedGen C3495438, MONDO:0007932, OMIM 153800.
ABCA4-related disorder. Also called: ABCA4-related disorders; ABCA4-related condition. Identifiers: MedGen CN239167.

Allele frequency attached by ClinVar (database versions not stated): gnomAD 0.00034 and 0.00032; ESP Exome Variant Server 0.00038; gnomAD exomes 0.00026; ExAC 0.00024; TOPMed 0.00025.
gnomAD v4.1: 1,019 of 1,614,002 alleles (0.063%); highest among the groups gnomAD compares: Non-Finnish European, 0.084%; 1 homozygote.

Submissions (9):

Labcorp Genetics (formerly Invitae), Labcorp
Classification: Uncertain significance. Last evaluated: 2025-10-06. Review status: criteria provided, single submitter. Criteria: Invitae Variant Classification Sherloc (09022015). Collection method: clinical testing. Allele origin: germline.
Comment: This sequence change replaces proline, which is neutral and non-polar, with arginine, which is basic and polar, at codon 940 of the ABCA4 protein (p.Pro940Arg). This variant is present in population databases (rs144995371, gnomAD 0.06%). This missense change has been observed in individual(s) with ABCA4-related conditions, macular degeneration, and/or Stargardt disease (PMID: 10634626, 18024811, 30060493, 33258285; internal data). ClinVar contains an entry for this variant (Variation ID: 286835). Invitae Evidence Modeling of protein sequence and biophysical properties (such as structural, functional, and spatial information, amino acid conservation, physicochemical variation, residue mobility, and thermodynamic stability) indicates that this missense variant is not expected to disrupt ABCA4 protein function with a negative predictive value of 95%. Experimental studies have shown that this missense change affects ABCA4 function (PMID: 11919200, 23144455). In summary, the available evidence is currently insufficient to determine the role of this variant in disease. Therefore, it has been classified as a Variant of Uncertain Significance.

Blueprint Genetics
Classification: Uncertain significance. Last evaluated: 2024-09-12. Review status: criteria provided, single submitter. Criteria: ACMG Guidelines, 2015. Collection method: clinical testing. Allele origin: germline.

Victorian Clinical Genetics Services, Murdoch Childrens Research Institute
Classification: Uncertain significance for Cone-rod dystrophy 3. Last evaluated: 2022-02-02. Review status: criteria provided, single submitter. Criteria: ACMG Guidelines, 2015. Collection method: clinical testing. Allele origin: germline.
Comment: Based on the classification scheme VCGS_Germline_v1.1.1, this variant is classified as 3A-VUS. Following criteria are met: 0102 - Loss-of-function is a known mechanism of disease for this gene. (N) 0108 - This gene is known to be associated with both recessive and dominant disease (OMIM). (N) 0200 - Variant is predicted to result in a missense amino acid change from proline to arginine (exon 19). (N) 0251 - Variant is heterozygous. (N) 0302 - Variant is present in gnomAD <0.001 (80 Heterozygous, 0 Homozygous). (P) 0309 - An alternative amino acid change at the same position has been observed in gnomAD (1 Heterozygous, 0 Homozygous). (N) 0502 - Missense variant with conflicting in silico predictions and low conservation. (N) 0600 - Variant is located in an annotated domain or motif (NBD1 domain; PMID: 11919200). (N) 0705 - No comparable variants have previous evidence for pathogenicity. (N) 0808 - Previous reports of pathogenicity are inconclusive (ClinVar; PMID: 21911583; PMID: 18024811; PMID: 30060493). (N) 0905 - No segregation evidence has been identified for this variant. (N) 1002 - Moderate functional evidence supporting abnormal protein function (PMID: 23144455). (P) 1208 - Inheritance information for this variant is not currently available. (N) Legend: (P) - Pathogenic, (N) - Neutral, (B) - Benign

Fulgent Genetics
Classification: Uncertain significance for Age related macular degeneration 2; Severe early-childhood-onset retinal dystrophy; Retinitis pigmentosa 19; Cone-rod dystrophy 3. Last evaluated: 2021-09-22. Review status: criteria provided, single submitter. Criteria: ACMG Guidelines, 2015. Collection method: clinical testing. Allele origin: unknown.

Illumina Laboratory Services, Illumina
Classification: Uncertain significance for ABCA4-Related Disorders. Last evaluated: 2018-01-30. Review status: criteria provided, single submitter. Criteria: ICSL Variant Classification Criteria 13 December 2019. Collection method: clinical testing. Allele origin: germline.
Comment: This variant was observed as part of a predisposition screen in an ostensibly healthy population. A literature search was performed for the gene, cDNA change, and amino acid change (where applicable). Publications were found based on this search. However, the evidence from the literature, in combination with allele frequency data from public databases where available, was not sufficient to rule this variant in or out of causing disease. Therefore, this variant is classified as a variant of unknown significance.

Eurofins Ntd Llc (ga)
Classification: Uncertain significance. Last evaluated: 2016-03-17. Review status: criteria provided, single submitter. Criteria: EGL Classification Definitions 2015. Collection method: clinical testing. Allele origin: germline. Observed: 1 variant allele, 1 heterozygote.

Institute of Human Genetics, Univ. Regensburg, Univ. Regensburg
Classification: Uncertain significance for Retinal dystrophy. Last evaluated: 2013-01-01. Review status: criteria provided, single submitter. Criteria: ACMG Guidelines, 2015. Collection method: clinical testing. Allele origin: germline. Affected: yes.

Clinical Genetics DNA and cytogenetics Diagnostics Lab, Erasmus MC, Erasmus Medical Center
Classification: Uncertain significance. Review status: no assertion criteria provided. Collection method: clinical testing. Allele origin: germline. Affected: yes. Study: VKGL Data-share Consensus. Not counted in ClinVar's aggregate classification.

Clinical Genetics, Academic Medical Center
Classification: Uncertain significance. Review status: no assertion criteria provided. Collection method: clinical testing. Allele origin: germline. Affected: yes. Study: VKGL Data-share Consensus. Not counted in ClinVar's aggregate classification.

Literature cited by the submitters: PubMed 10634626 (cited by 4 submitters); PubMed 18024811 (cited by 4 submitters); PubMed 30060493 (cited by 3 submitters); PubMed 33258285 (cited by Labcorp Genetics (formerly Invitae), Labcorp); PubMed 11919200 (cited by 5 submitters); PubMed 23144455 (cited by 5 submitters); PubMed 21911583 (cited by Victorian Clinical Genetics Services, Murdoch Childrens Research Institute); PubMed 16533065 (cited by Illumina Laboratory Services, Illumina); PubMed 25087612 (cited by Institute of Human Genetics, Univ. Regensburg, Univ. Regensburg); PubMed 29925512 (cited by Institute of Human Genetics, Univ. Regensburg, Univ. Regensburg).